The following is an entry in ClinVar:

NM_007315.4(STAT1):c.533A>G (p.Gln178Arg)

Gene: STAT1 (signal transducer and activator of transcription 1; minus strand). Cytogenetic location: 2q32.2.
Variant type: single nucleotide variant.
Coding change: c.533A>G on transcript NM_007315.4 (MANE Select); coding-DNA position 533, A replaced by G.
Protein change: p.Gln178Arg; replaces glutamine 178 with arginine.
Molecular consequence: missense variant.
Genome position (GRCh38, 1-based): chr2:190,999,634, T>C on the plus strand (A>G on the coding strand, the complement: STAT1 is on the minus strand). VCF-style: chr2-190999634-T-C. GRCh37 (hg19) VCF-style: chr2-191864360-T-C.
Other names: c.533A>G, p.Gln178Arg (NM_001384880.1, NM_001384882.1, NM_001384885.1 and 5 more transcripts); c.539A>G, p.Gln180Arg (NM_001384881.1, NM_001384884.1); c.526A>G, p.Arg176Gly (NM_001384883.1); c.443A>G, p.Gln148Arg (NM_001384890.1); c.569A>G, p.Gln190Arg (NM_001384891.1); short protein forms Q190R, Q180R, R176G, Q148R, Q178R.
Identifiers: ClinVar variation 1468938 (VCV001468938.6), dbSNP rs2125074995, ClinGen allele CA349924346.

ClinVar aggregate classification (germline): Uncertain significance (1 of 4 stars; one submission).

Conditions:
Immunodeficiency 31B. Also called: STAT1 DEFICIENCY, AUTOSOMAL RECESSIVE; IMMUNODEFICIENCY 31B, MYCOBACTERIAL AND VIRAL INFECTIONS, AUTOSOMAL RECESSIVE. Identifiers: Orphanet 391311, MedGen C3151088, MONDO:0013427, OMIM 613796.
Autoimmune enteropathy and endocrinopathy - susceptibility to chronic infections syndrome. Also called: Immunodeficiency 31C; Immunodeficiency 31C, autosomal dominant. Identifiers: Orphanet 391487, MedGen C3279990, MONDO:0013599, OMIM 614162.
Mendelian susceptibility to mycobacterial diseases due to partial STAT1 deficiency. Also called: STAT1 DEFICIENCY, AUTOSOMAL DOMINANT; Immunodeficiency 31a; IMMUNODEFICIENCY 31A, MYCOBACTERIOSIS, AUTOSOMAL DOMINANT. Identifiers: Orphanet 319595, MedGen C4013950, MONDO:0013956, OMIM 614892.

Submission:

Labcorp Genetics (formerly Invitae), Labcorp
Classification: Uncertain significance for Mendelian susceptibility to mycobacterial diseases due to partial STAT1 deficiency; Immunodeficiency 31B; Autoimmune enteropathy and endocrinopathy - susceptibility to chronic infections syndrome. Last evaluated: 2021-09-26. Review status: criteria provided, single submitter. Criteria: Invitae Variant Classification Sherloc (09022015). Collection method: clinical testing. Allele origin: germline.
Comment: In summary, the available evidence is currently insufficient to determine the role of this variant in disease. Therefore, it has been classified as a Variant of Uncertain Significance. Algorithms developed to predict the effect of missense changes on protein structure and function (SIFT, PolyPhen-2, Align-GVGD) all suggest that this variant is likely to be tolerated. This variant has not been reported in the literature in individuals affected with STAT1-related conditions. This variant is not present in population databases (ExAC no frequency). This sequence change replaces glutamine with arginine at codon 178 of the STAT1 protein (p.Gln178Arg). The glutamine residue is highly conserved and there is a small physicochemical difference between glutamine and arginine.